The following is an entry in ClinVar:

ClinVar aggregate classification (germline): Uncertain significance (1 of 4 stars; one submission).

Conditions:
DYNC1H1-related disorder. Also called: DYNC1H1-related condition; DYNC1H1-related disorders. Identifiers: MedGen CN381529.

Submission:

Servicio de Genética Del Instituto Nacional de Salud Del Niño, Ministerio de Salud
Classification: Uncertain significance for DYNC1H1-Related Disorders. Last evaluated: 2024-11-18. Review status: criteria provided, single submitter. Criteria: ACMG Guidelines, 2015. Collection method: clinical testing. Allele origin: germline. Inheritance: Autosomal dominant inheritance.
Comment: The variant NM_001376.5:c.1471G>A (p.Val491Ile) results in a missense mutation where valine at position 491 is replaced by isoleucine. This substitution may impact the protein's structure and function, but the exact functional consequences are not well characterized. Based on ACMG/AMP guidelines, the variant meets the criteria for PM2 (low frequency in population databases) and PP2 (computational evidence suggesting a potential impact on protein function). However, the available evidence is insufficient to classify this variant as either pathogenic or benign, so it remains classified as uncertain significance

NM_001376.5(DYNC1H1):c.1471G>A (p.Val491Ile)

Gene: DYNC1H1 (dynein cytoplasmic 1 heavy chain 1; plus strand). Cytogenetic location: 14q32.31.
Variant type: single nucleotide variant.
Coding change: c.1471G>A on transcript NM_001376.5 (MANE Select); coding-DNA position 1471, G replaced by A.
Protein change: p.Val491Ile; replaces valine 491 with isoleucine.
Molecular consequence: missense variant.
Genome position (GRCh38, 1-based): chr14:101,985,696, G>A. VCF-style: chr14-101985696-G-A. GRCh37 (hg19) VCF-style: chr14-102452033-G-A.
Other names: short protein forms V491I.
Identifiers: ClinVar variation 3381227 (VCV003381227.2).